The following is an entry in ClinVar:

ClinVar aggregate classification (germline): Benign/Likely benign. Review status: criteria provided, multiple submitters, no conflicts (2 of 4 stars). 9 submissions from 9 submitters: Benign (5); Likely benign (1). 3 of the submissions do not count toward it. Last evaluated 2026-02-03.

Conditions:
SERPINI1-related disorder. Also called: SERPINI1-related condition.
Familial encephalopathy with neuroserpin inclusion bodies. Also called: ENCEPHALOPATHY, FAMILIAL, WITH COLLINS BODIES. Identifiers: Orphanet 85110, MedGen C1858680, MONDO:0011412, OMIM 604218.

Allele frequency attached by ClinVar (database versions not stated): 1000 Genomes Project 30x 0.00468; 1000 Genomes Project 0.00559; gnomAD 0.01092 and 0.01095; ExAC 0.01119; TOPMed 0.01128; gnomAD exomes 0.01137; ESP Exome Variant Server 0.01422.
gnomAD v4.1: 26,184 of 1,613,532 alleles (1.6%); highest among the groups gnomAD compares: Non-Finnish European, 1.9%; 272 homozygotes.

Submissions (9):

Labcorp Genetics (formerly Invitae), Labcorp
Classification: Benign for Familial encephalopathy with neuroserpin inclusion bodies. Last evaluated: 2026-02-03. Review status: criteria provided, single submitter. Criteria: Invitae Variant Classification Sherloc (09022015). Collection method: clinical testing. Allele origin: germline.

Blueprint Genetics
Classification: Likely benign. Last evaluated: 2024-11-26. Review status: criteria provided, single submitter. Criteria: ACMG Guidelines, 2015. Collection method: clinical testing. Allele origin: germline.

Athena Diagnostics
Classification: Benign. Last evaluated: 2024-03-05. Review status: criteria provided, single submitter. Criteria: Athena Diagnostics Criteria. Collection method: clinical testing. Allele origin: unknown.

Mayo Clinic Laboratories, Mayo Clinic
Classification: Benign. Last evaluated: 2018-07-20. Review status: criteria provided, single submitter. Criteria: ACMG Guidelines, 2015. Collection method: clinical testing. Allele origin: germline. Observed: 15 variant alleles.

Illumina Laboratory Services, Illumina
Classification: Benign for Familial encephalopathy with neuroserpin inclusion bodies. Last evaluated: 2018-01-12. Review status: criteria provided, single submitter. Criteria: ICSL Variant Classification Criteria 13 December 2019. Collection method: clinical testing. Allele origin: germline.
Comment: This variant was observed in the ICSL laboratory as part of a predisposition screen in an ostensibly healthy population. It had not been previously curated by ICSL or reported in the Human Gene Mutation Database (HGMD: prior to June 1st, 2018), and was therefore a candidate for classification through an automated scoring system. Utilizing variant allele frequency, disease prevalence and penetrance estimates, and inheritance mode, an automated score was calculated to assess if this variant is too frequent to cause the disease. Based on the score and internal cut-off values, a variant classified as benign is not then subjected to further curation. The score for this variant resulted in a classification of benign for this disease.

Breakthrough Genomics
Classification: Benign. Review status: criteria provided, single submitter. Criteria: ACMG Guidelines, 2015. Collection method: not provided. Allele origin: germline. Inheritance: Autosomal dominant inheritance. Affected: yes.

PreventionGenetics, part of Exact Sciences
Classification: Benign for SERPINI1-related condition. Last evaluated: 2024-06-05. Review status: no assertion criteria provided. Collection method: clinical testing. Allele origin: germline. Not counted in ClinVar's aggregate classification.
Comment: This variant is classified as benign based on ACMG/AMP sequence variant interpretation guidelines (Richards et al. 2015 PMID: 25741868, with internal and published modifications).

Clinical Genetics DNA and cytogenetics Diagnostics Lab, Erasmus MC, Erasmus Medical Center
Classification: Benign. Review status: no assertion criteria provided. Collection method: clinical testing. Allele origin: germline. Affected: yes. Study: VKGL Data-share Consensus. Not counted in ClinVar's aggregate classification.

Genome Diagnostics Laboratory, Amsterdam University Medical Center
Classification: Benign. Review status: no assertion criteria provided. Collection method: clinical testing. Allele origin: germline. Affected: yes. Study: VKGL Data-share Consensus. Not counted in ClinVar's aggregate classification.

Literature cited by the submitters: PubMed 33006056 (cited by Athena Diagnostics).

NM_001122752.2(SERPINI1):c.838G>A (p.Ala280Thr)

Gene: SERPINI1 (serpin family I member 1; plus strand). Cytogenetic location: 3q26.1.
Variant type: single nucleotide variant.
Coding change: c.838G>A on transcript NM_001122752.2 (MANE Select); coding-DNA position 838, G replaced by A.
Protein change: p.Ala280Thr; replaces alanine 280 with threonine.
Molecular consequence: missense variant.
Genome position (GRCh38, 1-based): chr3:167,794,781, G>A. VCF-style: chr3-167794781-G-A. GRCh37 (hg19) VCF-style: chr3-167512569-G-A.
Other names: p.Ala280Thr; c.838G>A, p.Ala280Thr (NM_005025.5); short protein forms A280T.
Identifiers: ClinVar variation 344131 (VCV000344131.22), dbSNP rs55872908, ClinGen allele CA2694888.
Genomic context (GRCh38, chr3:167,794,781, plus strand): 5'-CAGGAAGTTCCTCTTGCTACTCTGGAGCCATTAGTCAAAGCACAGCTGGTTGAAGAATGG[G>A]CAAACTCTGTGAAGAAGCAAAAAGTAGAAGTATACCTGCCCAGGTATGAGGTTCCTGTGT-3'
Protein context (NP_001116224.1, residues 270-290): LVKAQLVEEW[Ala280Thr]NSVKKQKVEV